The following is an entry in ClinVar:

ClinVar aggregate classification (germline): Uncertain significance (1 of 4 stars; one submission).

Conditions:
Evans syndrome, immunodeficiency, and premature immunosenescence associated with tripeptidyl-peptidase II deficiency. Identifiers: MedGen CN231723. Disease mechanism: loss of function.

Submission:

Labcorp Genetics (formerly Invitae), Labcorp
Classification: Uncertain significance for Evans syndrome, immunodeficiency, and premature immunosenescence associated with tripeptidyl-peptidase II deficiency. Last evaluated: 2022-08-08. Review status: criteria provided, single submitter. Criteria: Invitae Variant Classification Sherloc (09022015). Collection method: clinical testing. Allele origin: germline.
Comment: In summary, the available evidence is currently insufficient to determine the role of this variant in disease. Therefore, it has been classified as a Variant of Uncertain Significance. Algorithms developed to predict the effect of sequence changes on RNA splicing suggest that this variant may disrupt the consensus splice site. Algorithms developed to predict the effect of missense changes on protein structure and function (SIFT, PolyPhen-2, Align-GVGD) all suggest that this variant is likely to be tolerated. This variant has not been reported in the literature in individuals affected with TPP2-related conditions. This variant is not present in population databases (gnomAD no frequency). This sequence change replaces aspartic acid, which is acidic and polar, with glutamic acid, which is acidic and polar, at codon 646 of the TPP2 protein (p.Asp646Glu).

NM_001330588.2(TPP2):c.1938T>A (p.Asp646Glu)

Gene: TPP2 (tripeptidyl peptidase 2; plus strand). Cytogenetic location: 13q33.1.
Variant type: single nucleotide variant.
Coding change: c.1938T>A on transcript NM_001330588.2 (MANE Select); coding-DNA position 1938, T replaced by A.
Protein change: p.Asp646Glu; replaces aspartic acid 646 with glutamic acid.
Molecular consequence: missense variant. On other transcripts: non-coding transcript variant (1).
Genome position (GRCh38, 1-based): chr13:102,640,294, T>A. VCF-style: chr13-102640294-T-A. GRCh37 (hg19) VCF-style: chr13-103292644-T-A.
Other names: c.1938T>A, p.Asp646Glu (NM_001367947.1, NM_003291.4); short protein forms D646E.
Identifiers: ClinVar variation 1715710 (VCV001715710.5), dbSNP rs2504000628, ClinGen allele CA388491998.
Genomic context (GRCh38, chr13:102,640,294, plus strand): 5'-AAATATATACATTTAATTACTTTTATTAATTTTCAGAGTAAATGAATCATCACATTATGA[T>A]CTAGCCTTTACAGATGTACACTTTAAACCTGGTCAAATTCGAAGGCATTTTATTGAGGTT-3'
Protein context (NP_001317517.1, residues 636-656): AAKVNESSHY[Asp646Glu]LAFTDVHFKP